The following is an entry in ClinVar:

NM_021076.4(NEFH):c.1684_1785del (p.Pro562_Pro595del)

Gene: NEFH (neurofilament heavy chain; plus strand). Cytogenetic location: 22q12.2.
Variant type: Deletion.
Coding change: c.1684_1785del on transcript NM_021076.4 (MANE Select); coding-DNA positions 1684 to 1785, 102 bases deleted.
Protein change: p.Pro562_Pro595del.
Molecular consequence: inframe deletion.
Genome position (GRCh38, 1-based): chr22:29,489,324-29,489,425, 102 bases deleted. GRCh37 (hg19): chr22:29,885,313-29,885,414.
Identifiers: ClinVar variation 1777962 (VCV001777962.22), dbSNP rs2063062594, ClinGen allele CA10174250.

ClinVar aggregate classification (germline): Uncertain significance. Review status: criteria provided, multiple submitters, no conflicts (2 of 4 stars). 2 submissions from 2 submitters: Uncertain significance (2). Last evaluated 2024-04-01.

Conditions:
Inborn genetic diseases. Identifiers: MedGen C0950123, MeSH D030342.

Submissions (2):

CeGaT Center for Human Genetics Tuebingen
Classification: Uncertain significance. Last evaluated: 2024-04-01. Review status: criteria provided, single submitter. Criteria: CeGaT Center For Human Genetics Tuebingen Variant Classification Criteria Version 2. Collection method: clinical testing. Allele origin: germline. Affected: yes. Observed: 1 variant allele.
Comment: NEFH: PM4

Ambry Genetics
Classification: Uncertain significance for Inborn genetic diseases. Last evaluated: 2020-11-13. Review status: criteria provided, single submitter. Criteria: Ambry Variant Classification Scheme 2023. Collection method: clinical testing. Allele origin: germline.
Comment: The c.1684_1785del102 variant (also known as p.P562_P595del) is located in coding exon 4 of the NEFH gene. This variant results from an in-frame deletion of 102 nucleotides at nucleotide positions 1684 to 1785. This results in the in-frame deletion of 34 amino acids at codons 562 to 595. This amino acid region is not well conserved in available vertebrate species. Since supporting evidence is limited at this time, the clinical significance of this alteration remains unclear.